The following is an entry in ClinVar:

NM_016097.5(IER3IP1):c.69C>G (p.His23Gln)

Gene: IER3IP1 (immediate early response 3 interacting protein 1; minus strand). Cytogenetic location: 18q21.1.
Variant type: single nucleotide variant.
Coding change: c.69C>G on transcript NM_016097.5 (MANE Select); coding-DNA position 69, C replaced by G.
Protein change: p.His23Gln; replaces histidine 23 with glutamine.
Molecular consequence: missense variant.
Genome position (GRCh38, 1-based): chr18:47,176,209, G>C on the plus strand (C>G on the coding strand, the complement: IER3IP1 is on the minus strand). VCF-style: chr18-47176209-G-C. GRCh37 (hg19) VCF-style: chr18-44702580-G-C.
Other names: short protein forms H23Q.
Identifiers: ClinVar variation 1423434 (VCV001423434.5), dbSNP rs1409344170, ClinGen allele CA402492882.

ClinVar aggregate classification (germline): Uncertain significance (1 of 4 stars; one submission).

Conditions:
Microcephaly, epilepsy, and diabetes syndrome. Identifiers: Orphanet 306558, MedGen C3280240, MONDO:0100328.

gnomAD v4.1: 1 of 1,604,182 alleles (0.000062%); highest among the groups gnomAD compares: Admixed American, 0.0017%; no homozygotes.

Submission:

Labcorp Genetics (formerly Invitae), Labcorp
Classification: Uncertain significance for Microcephaly, epilepsy, and diabetes syndrome. Last evaluated: 2021-08-31. Review status: criteria provided, single submitter. Criteria: Invitae Variant Classification Sherloc (09022015). Collection method: clinical testing. Allele origin: germline.
Comment: This sequence change replaces histidine with glutamine at codon 23 of the IER3IP1 protein (p.His23Gln). The histidine residue is moderately conserved and there is a small physicochemical difference between histidine and glutamine. This variant is not present in population databases (ExAC no frequency). This variant has not been reported in the literature in individuals affected with IER3IP1-related conditions. Algorithms developed to predict the effect of missense changes on protein structure and function (SIFT, PolyPhen-2, Align-GVGD) all suggest that this variant is likely to be tolerated. In summary, the available evidence is currently insufficient to determine the role of this variant in disease. Therefore, it has been classified as a Variant of Uncertain Significance.